The following is an entry in ClinVar:

NM_170606.3(KMT2C):c.10248G>A (p.Met3416Ile)

Gene: KMT2C (lysine methyltransferase 2C; minus strand). Cytogenetic location: 7q36.1.
Variant type: single nucleotide variant.
Coding change: c.10248G>A on transcript NM_170606.3 (MANE Select); coding-DNA position 10248, G replaced by A.
Protein change: p.Met3416Ile; replaces methionine 3416 with isoleucine.
Molecular consequence: missense variant.
Genome position (GRCh38, 1-based): chr7:152,163,329, C>T on the plus strand (G>A on the coding strand, the complement: KMT2C is on the minus strand). VCF-style: chr7-152163329-C-T. GRCh37 (hg19) VCF-style: chr7-151860414-C-T.
Other names: short protein forms M3416I.
Identifiers: ClinVar variation 2107463 (VCV002107463.4), dbSNP rs1014894801, ClinGen allele CA169231554.
Genomic context (GRCh38, chr7:152,163,329, plus strand): 5'-CATACCATGCTGCTCCATTTCCATCCTCTGCTGCAAAGCTCTTTGTCTATCTACCTCCTG[C>T]ATGAGTTGGATCCGTTGTCTCTCTTGCTGTTCTCGTAAACGTTCCTTACGTTCCCGTTCT-3'
Protein context (NP_733751.2, residues 3406-3426): EQQERQRIQL[Met3416Ile]QEVDRQRALQ

ClinVar aggregate classification (germline): Uncertain significance (1 of 4 stars; one submission).

Allele frequency attached by ClinVar (database versions not stated): TOPMed 0.00001.

Submission:

Labcorp Genetics (formerly Invitae), Labcorp
Classification: Uncertain significance. Last evaluated: 2022-11-01. Review status: criteria provided, single submitter. Criteria: Invitae Variant Classification Sherloc (09022015). Collection method: clinical testing. Allele origin: germline.
Comment: This sequence change replaces methionine, which is neutral and non-polar, with isoleucine, which is neutral and non-polar, at codon 3416 of the KMT2C protein (p.Met3416Ile). This variant is not present in population databases (gnomAD no frequency). This variant has not been reported in the literature in individuals affected with KMT2C-related conditions. Algorithms developed to predict the effect of missense changes on protein structure and function (SIFT, PolyPhen-2, Align-GVGD) all suggest that this variant is likely to be tolerated. In summary, the available evidence is currently insufficient to determine the role of this variant in disease. Therefore, it has been classified as a Variant of Uncertain Significance.